The following is an entry in ClinVar:

NC_000009.12:g.35657906T>C

Gene: RMRP (RNA component of mitochondrial RNA processing endoribonuclease; minus strand). Cytogenetic location: 9p13.3.
Variant type: single nucleotide variant.
Genome position: GRCh38 VCF-style: chr9-35657906-T-C. GRCh37 (hg19) VCF-style: chr9-35657903-T-C.
Identifiers: ClinVar variation 2162477 (VCV002162477.1), dbSNP rs772825736, ClinGen allele CA5045844.
Genomic context (GRCh38, chr9:35,657,906, plus strand): 5'-GCCGCTCAGCGGGATACGCTTCTTGGCGGACTTTGGAGTGGGAAGCGGGGAATGTCTACG[T>C]GCGTATGCACGTGGCACTCTCTGCCCGAGGTCCGGGGACTTTCCCCTAGGCGGAAAGGGG-3'

ClinVar aggregate classification (germline): Uncertain significance (1 of 4 stars; one submission).

Conditions:
Anauxetic dysplasia. Identifiers: Orphanet 93347, MedGen C1846796, MONDO:0011773.

Allele frequency attached by ClinVar (database versions not stated): ExAC 0.00009.

Submission:

Labcorp Genetics (formerly Invitae), Labcorp
Classification: Uncertain significance for Anauxetic dysplasia. Last evaluated: 2022-06-20. Review status: criteria provided, single submitter. Criteria: Invitae Variant Classification Sherloc (09022015). Collection method: clinical testing. Allele origin: germline.
Comment: This variant occurs in the RMRP gene, which encodes an RNA molecule that does not result in a protein product. This variant is present in population databases (rs772825736, gnomAD 0.007%). This variant has not been reported in the literature in individuals affected with RMRP-related conditions. In summary, the available evidence is currently insufficient to determine the role of this variant in disease. Therefore, it has been classified as a Variant of Uncertain Significance.